The following is an entry in ClinVar:

NM_000381.4(MID1):c.1595G>T (p.Gly532Val)

Gene: MID1 (midline 1; minus strand). Cytogenetic location: Xp22.2.
Variant type: single nucleotide variant.
Coding change: c.1595G>T on transcript NM_000381.4 (MANE Select); coding-DNA position 1595, G replaced by T.
Protein change: p.Gly532Val; replaces glycine 532 with valine.
Molecular consequence: missense variant.
Genome position (GRCh38, 1-based): chrX:10,454,930, C>A on the plus strand (G>T on the coding strand, the complement: MID1 is on the minus strand). VCF-style: chrX-10454930-C-A. GRCh37 (hg19) VCF-style: chrX-10422970-C-A.
Other names: c.1595G>T, p.Gly532Val (NM_001098624.2, NM_001193277.1, NM_001347733.2 and 1 more transcripts); c.1481G>T, p.Gly494Val (NM_033289.2); short protein forms G494V, G532V.
Identifiers: ClinVar variation 4998393 (VCV004998393.1).

ClinVar aggregate classification (germline): Uncertain significance (1 of 4 stars; one submission).

Conditions:
MID1-related disorder. Also called: MID1-related condition.

Submission:

PreventionGenetics, part of Exact Sciences
Classification: Uncertain significance for MID1-related condition. Last evaluated: 2025-04-09. Review status: criteria provided, single submitter. Criteria: ACMG Guidelines, 2015. Collection method: clinical testing. Allele origin: germline.
Comment: The MID1 c.1595G>T variant is predicted to result in the amino acid substitution p.Gly532Val. To our knowledge, this variant has not been reported in the literature or in a large population database (gnomAD), indicating this variant is rare. At this time, the clinical significance of this variant is uncertain due to the absence of conclusive functional and genetic evidence.